The following is an entry in ClinVar:

ClinVar aggregate classification (germline): Uncertain significance (1 of 4 stars; one submission).

Conditions:
Baller-Gerold syndrome (BGS). Also called: CRANIOSYNOSTOSIS WITH RADIAL DEFECTS. Identifiers: Orphanet 1225, MedGen C0265308, MONDO:0009039, OMIM 218600.

Submission:

Labcorp Genetics (formerly Invitae), Labcorp
Classification: Uncertain significance for Baller-Gerold syndrome. Last evaluated: 2018-07-16. Review status: criteria provided, single submitter. Criteria: Invitae Variant Classification Sherloc (09022015). Collection method: clinical testing. Allele origin: germline.
Comment: This variant is not present in population databases (ExAC no frequency). This sequence change replaces arginine with proline at codon 735 of the RECQL4 protein (p.Arg735Pro). The arginine residue is moderately conserved and there is a moderate physicochemical difference between arginine and proline. This variant has not been reported in the literature in individuals with RECQL4-related disease. In summary, the available evidence is currently insufficient to determine the role of this variant in disease. Therefore, it has been classified as a Variant of Uncertain Significance. Algorithms developed to predict the effect of missense changes on protein structure and function are either unavailable or do not agree on the potential impact of this missense change (SIFT: "Tolerated"; PolyPhen-2: "Not Available"; Align-GVGD: "Class C0").

NM_004260.4(RECQL4):c.2204G>C (p.Arg735Pro)

Gene: RECQL4 (RecQ like helicase 4; minus strand). Cytogenetic location: 8q24.3.
Variant type: single nucleotide variant.
Coding change: c.2204G>C on transcript NM_004260.4 (MANE Select); coding-DNA position 2204, G replaced by C.
Protein change: p.Arg735Pro; replaces arginine 735 with proline.
Molecular consequence: missense variant.
Genome position (GRCh38, 1-based): chr8:144,513,477, C>G on the plus strand (G>C on the coding strand, the complement: RECQL4 is on the minus strand). VCF-style: chr8-144513477-C-G. GRCh37 (hg19) VCF-style: chr8-145738861-C-G.
Other names: short protein forms R735P.
Identifiers: ClinVar variation 650253 (VCV000650253.4), dbSNP rs773155492, ClinGen allele CA372679470.